The following is an entry in ClinVar:

NM_018130.3(SHQ1):c.835C>T (p.Leu279Phe)

Gene: SHQ1 (SHQ1, H/ACA ribonucleoprotein assembly factor; minus strand). Cytogenetic location: 3p13.
Variant type: single nucleotide variant.
Coding change: c.835C>T on transcript NM_018130.3 (MANE Select); coding-DNA position 835, C replaced by T.
Protein change: p.Leu279Phe; replaces leucine 279 with phenylalanine.
Molecular consequence: missense variant.
Genome position (GRCh38, 1-based): chr3:72,817,277, G>A on the plus strand (C>T on the coding strand, the complement: SHQ1 is on the minus strand). VCF-style: chr3-72817277-G-A. GRCh37 (hg19) VCF-style: chr3-72866428-G-A.
Other names: short protein forms L279F.
Identifiers: ClinVar variation 3364449 (VCV003364449.1).

ClinVar aggregate classification (germline): Uncertain significance (1 of 4 stars; one submission).

Submission:

GeneDx
Classification: Uncertain significance. Last evaluated: 2023-11-18. Review status: criteria provided, single submitter. Criteria: GeneDx Variant Classification Process June 2021. Collection method: clinical testing. Allele origin: germline. Affected: yes.
Comment: Not observed at significant frequency in large population cohorts (gnomAD); In silico analysis supports that this missense variant has a deleterious effect on protein structure/function; Has not been previously published as pathogenic or benign to our knowledge